The following is an entry in ClinVar:

NM_004628.5(XPC):c.1178G>A (p.Arg393Gln)

Gene: XPC (XPC complex subunit, DNA damage recognition and repair factor; minus strand). Cytogenetic location: 3p25.1.
Variant type: single nucleotide variant.
Coding change: c.1178G>A on transcript NM_004628.5 (MANE Select); coding-DNA position 1178, G replaced by A.
Protein change: p.Arg393Gln; replaces arginine 393 with glutamine.
Molecular consequence: missense variant. On other transcripts: non-coding transcript variant (2).
Genome position (GRCh38, 1-based): chr3:14,158,705, C>T on the plus strand (G>A on the coding strand, the complement: XPC is on the minus strand). VCF-style: chr3-14158705-C-T. GRCh37 (hg19) VCF-style: chr3-14200205-C-T.
Other names: c.599G>A, p.Arg200Gln (NM_001354726.2); c.1178G>A, p.Arg393Gln (NM_001354727.2, NM_001354730.2); c.1160G>A, p.Arg387Gln (NM_001354729.2); short protein forms R200Q, R387Q, R393Q.
Identifiers: ClinVar variation 1343597 (VCV001343597.2), dbSNP rs376220736, ClinGen allele CA2267496.

ClinVar aggregate classification (germline): Uncertain significance. Review status: criteria provided, multiple submitters, no conflicts (2 of 4 stars). 2 submissions from 2 submitters: Uncertain significance (2). Last evaluated 2025-07-14.

Conditions:
Inborn genetic diseases. Identifiers: MedGen C0950123, MeSH D030342.

Allele frequency attached by ClinVar (database versions not stated): gnomAD exomes 0.00001 and 0.00003; ExAC 0.00006; gnomAD 0.00009 and 0.00011; TOPMed 0.00009; 1000 Genomes Project 30x 0.00016; ESP Exome Variant Server 0.00019; 1000 Genomes Project 0.00020.
gnomAD v4.1: 32 of 1,613,878 alleles (0.002%); highest among the groups gnomAD compares: African/African-American, 0.023%; no homozygotes.

Submissions (2):

Ambry Genetics
Classification: Uncertain significance for Inborn genetic diseases. Last evaluated: 2025-07-14. Review status: criteria provided, single submitter. Criteria: Ambry Variant Classification Scheme 2023. Collection method: clinical testing. Allele origin: germline.

Women's Health and Genetics/Laboratory Corporation of America, LabCorp
Classification: Uncertain significance. Last evaluated: 2022-02-18. Review status: criteria provided, single submitter. Criteria: LabCorp Variant Classification Summary - May 2015. Collection method: clinical testing. Allele origin: germline.
Comment: Variant summary: XPC c.1178G>A (p.Arg393Gln) results in a conservative amino acid change in the encoded protein sequence. Five of five in-silico tools predict a benign effect of the variant on protein function. The variant allele was found at a frequency of 3.2e-05 in 249254 control chromosomes. The available data on variant occurrences in the general population are insufficient to allow any conclusion about variant significance. To our knowledge, no occurrence of c.1178G>A in individuals affected with Xeroderma Pigmentosum and no experimental evidence demonstrating its impact on protein function have been reported. No clinical diagnostic laboratories have submitted clinical-significance assessments for this variant to ClinVar after 2014. Based on the evidence outlined above, the variant was classified as uncertain significance.